The following is an entry in ClinVar:

ClinVar aggregate classification (germline): Likely pathogenic (0 of 4 stars; one submission).

Conditions:
FANCA-related disorder. Also called: FANCA-related condition.

Submission:

PreventionGenetics, part of Exact Sciences
Classification: Likely pathogenic for FANCA-related condition. Last evaluated: 2024-05-26. Review status: no assertion criteria provided. Collection method: clinical testing. Allele origin: germline.
Comment: The FANCA c.3002C>G variant is predicted to result in premature protein termination (p.Ser1001*). To our knowledge, this variant has not been reported in the literature or in a large population database, indicating this variant is rare. Nonsense variants in FANCA are expected to be pathogenic. This variant is interpreted as likely pathogenic.

NM_000135.4(FANCA):c.3002C>G (p.Ser1001Ter)

Gene: FANCA (FA complementation group A; minus strand). Cytogenetic location: 16q24.3.
Variant type: single nucleotide variant.
Coding change: c.3002C>G on transcript NM_000135.4 (MANE Select); coding-DNA position 3002, C replaced by G.
Protein change: p.Ser1001Ter; replaces serine 1001 with a stop codon.
Molecular consequence: nonsense.
Genome position (GRCh38, 1-based): chr16:89,752,202, G>C on the plus strand (C>G on the coding strand, the complement: FANCA is on the minus strand). VCF-style: chr16-89752202-G-C. GRCh37 (hg19) VCF-style: chr16-89818610-G-C.
Other names: c.3002C>G, p.Ser1001Ter (NM_001286167.3); short protein forms S1001*.
Identifiers: ClinVar variation 3344192 (VCV003344192.1).
Genomic context (GRCh38, chr16:89,752,202, plus strand): 5'-AATCTGGAAATAATATCCTCATTTCCTGTGCGGCCACCAAAGACCAAATCAGAATTTTCT[G>C]AGTGGTCATAACTCCTTGAGCTGAAATGAAAATACAATAAAATCCTCCTCAGTATCGCCT-3'